The following is an entry in ClinVar:

NM_000518.4(HBB):c.302C>G (p.Pro101Arg)

Genes: HBB (hemoglobin subunit beta; minus strand), LOC106099062 (HBB recombination region; plus strand), LOC107133510 (origin of replication at HBB; plus strand), LOC110006319 (beta-globin gene 3' regulatory region; plus strand). Cytogenetic location: 11p15.4.
Variant type: single nucleotide variant.
Coding change: c.302C>G on transcript NM_000518.4; coding-DNA position 302, C replaced by G.
Protein change: p.Pro101Arg; replaces proline 101 with arginine.
Molecular consequence: missense variant (on NM_000518.5).
Genome position (GRCh38, 1-based): chr11:5,226,590, G>C on the plus strand (C>G on the coding strand, the complement: HBB is on the minus strand). VCF-style: chr11-5226590-G-C. GRCh37 (hg19) VCF-style: chr11-5247820-G-C.
Other names: P100R; c.302C>G, p.Pro101Arg (NM_000518.5); short protein forms P101R.
Identifiers: ClinVar variation 15285 (VCV000015285.9), dbSNP rs33965000, ClinGen allele CA125056.
Genomic context (GRCh38, chr11:5,226,590, plus strand): 5'-CATAGAAAAGAAGGGGAAAGAAAACATCAAGCGTCCCATAGACTCACCCTGAAGTTCTCA[G>C]GATCCACGTGCAGCTTGTCACAGTGCAGCTCACTCAGTGTGGCAAAGGTGCCCTTGAGGT-3'
Protein context (NP_000509.1, residues 91-111): ELHCDKLHVD[Pro101Arg]ENFRLLGNVL

ClinVar aggregate classification (germline): Uncertain significance. Review status: criteria provided, single submitter (1 of 4 stars). 2 submissions from 2 submitters: Uncertain significance (1). 1 of the submissions does not count toward it. Last evaluated 2021-11-15.

Conditions:
HEMOGLOBIN NEW MEXICO.

Submissions (2):

ARUP Laboratories, Molecular Genetics and Genomics, ARUP Laboratories
Classification: Uncertain significance. Last evaluated: 2021-11-15. Review status: criteria provided, single submitter. Criteria: ARUP Molecular Germline Variant Investigation Process 2021. Collection method: clinical testing. Allele origin: germline.
Comment: The Hb New Mexico variant (HBB: c.302C>G; p.Pro101Arg also known as Pro100Arg when numbered from the mature protein, rs33965000) is reported in the literature along with Hb S in an individual with erythrocytosis (see HbVar and references therein). This variant is reported to have decreased cooperativity and Bohr effect with increased oxygen affinity (see HbVar). This variant is reported in ClinVar (Variation ID: 15285) and is absent from the Genome Aggregation Database, indicating it is not a common polymorphism. The proline at codon 101 is highly conserved, and computational analyses predict that this variant is deleterious (REVEL: 0.966). However, due to limited clinical information, the significance of the Hb New Mexico variant is uncertain at this time. References: Link to HbVar for Hb New Mexico

OMIM
Classification: other for HEMOGLOBIN NEW MEXICO. Last evaluated: 2017-12-12. Review status: no assertion criteria provided. Collection method: literature only. Allele origin: germline. Not counted in ClinVar's aggregate classification.

Literature cited by the submitters: PubMed 19257 (cited by OMIM).